The following is an entry in ClinVar:

ClinVar aggregate classification (germline): Likely benign. Review status: criteria provided, single submitter (1 of 4 stars). 2 submissions from 2 submitters: Likely benign (1). 1 of the submissions does not count toward it. Last evaluated 2023-09-08.

Conditions:
Citrin deficiency. Identifiers: Orphanet 247582, MedGen C1997910, MONDO:0016602.
SLC25A13-related disorder. Also called: SLC25A13-related condition.

gnomAD v4.1: 12 of 1,613,978 alleles (0.00074%); highest among the groups gnomAD compares: Non-Finnish European, 0.001%; no homozygotes.

Submissions (2):

Labcorp Genetics (formerly Invitae), Labcorp
Classification: Likely benign for Citrin deficiency. Last evaluated: 2023-09-08. Review status: criteria provided, single submitter. Criteria: Invitae Variant Classification Sherloc (09022015). Collection method: clinical testing. Allele origin: germline.

PreventionGenetics, part of Exact Sciences
Classification: Likely benign for SLC25A13-related condition. Last evaluated: 2023-11-09. Review status: no assertion criteria provided. Collection method: clinical testing. Allele origin: germline. Not counted in ClinVar's aggregate classification.
Comment: This variant is classified as likely benign based on ACMG/AMP sequence variant interpretation guidelines (Richards et al. 2015 PMID: 25741868, with internal and published modifications).

NM_014251.3(SLC25A13):c.1464A>C (p.Ala488=)

Gene: SLC25A13 (solute carrier family 25 member 13; minus strand). Cytogenetic location: 7q21.3.
Variant type: single nucleotide variant.
Coding change: c.1464A>C on transcript NM_014251.3 (MANE Select); coding-DNA position 1464, A replaced by C.
Protein change: p.Ala488=; no amino-acid change (alanine 488 retained).
Molecular consequence: synonymous variant. On other transcripts: non-coding transcript variant (1).
Genome position (GRCh38, 1-based): chr7:96,131,870, T>G on the plus strand (A>C on the coding strand, the complement: SLC25A13 is on the minus strand). VCF-style: chr7-96131870-T-G. GRCh37 (hg19) VCF-style: chr7-95761182-T-G.
Other names: c.1464A>C (NM_014251.2); c.1467A>C, p.Ala489= (NM_001160210.2).
Identifiers: ClinVar variation 1623582 (VCV001623582.10), dbSNP rs1244207348, ClinGen allele CA456510467.